The following is an entry in ClinVar:

NM_144498.4(OSBPL2):c.623G>T (p.Gly208Val)

Gene: OSBPL2 (oxysterol binding protein like 2; plus strand). Cytogenetic location: 20q13.33.
Variant type: single nucleotide variant.
Coding change: c.623G>T on transcript NM_144498.4 (MANE Select); coding-DNA position 623, G replaced by T.
Protein change: p.Gly208Val; replaces glycine 208 with valine.
Molecular consequence: missense variant.
Genome position (GRCh38, 1-based): chr20:62,279,288, G>T. VCF-style: chr20-62279288-G-T. GRCh37 (hg19) VCF-style: chr20-60854344-G-T.
Other names: c.347G>T, p.Gly116Val (NM_001278649.3, NM_001363878.2); c.587G>T, p.Gly196Val (NM_014835.5); short protein forms G208V, G196V, G116V.
Identifiers: ClinVar variation 2853434 (VCV002853434.3), dbSNP rs2516537627, ClinGen allele CA409543109.

ClinVar aggregate classification (germline): Uncertain significance (1 of 4 stars; one submission).

Submission:

Labcorp Genetics (formerly Invitae), Labcorp
Classification: Uncertain significance. Last evaluated: 2025-06-12. Review status: criteria provided, single submitter. Criteria: Invitae Variant Classification Sherloc (09022015). Collection method: clinical testing. Allele origin: germline.
Comment: This sequence change replaces glycine, which is neutral and non-polar, with valine, which is neutral and non-polar, at codon 208 of the OSBPL2 protein (p.Gly208Val). This variant is not present in population databases (gnomAD no frequency). This variant has not been reported in the literature in individuals affected with OSBPL2-related conditions. ClinVar contains an entry for this variant (Variation ID: 2853434). An algorithm developed to predict the effect of missense changes on protein structure and function (PolyPhen-2) suggests that this variant is likely to be disruptive. In summary, the available evidence is currently insufficient to determine the role of this variant in disease. Therefore, it has been classified as a Variant of Uncertain Significance.